The following is an entry in ClinVar:

ClinVar aggregate classification (germline): Conflicting classifications of pathogenicity. Review status: criteria provided, conflicting classifications (1 of 4 stars). 7 submissions from 4 submitters: Uncertain significance (4); Likely benign (3). Last evaluated 2026-09-17.

Conditions:
Hemolytic uremic syndrome, atypical, susceptibility to, 1. Also called: AHUS, SUSCEPTIBILITY TO, 1. Identifiers: Orphanet 2134, Orphanet 90038, MedGen C2749604, MONDO:0009335, OMIM 235400. Disease mechanism: Other.
Age related macular degeneration 4. Identifiers: MedGen C1853147, MONDO:0012540, OMIM 610698.
Basal laminar drusen. Also called: DRUSEN OF BRUCH MEMBRANE; DRUSEN, CUTICULAR; DRUSEN, EARLY ADULT-ONSET, GROUPED. Identifiers: Orphanet 75376, MedGen C0730295, MONDO:0007472, OMIM 126700.
CFH-Related Dense Deposit Disease / Membranoproliferative Glomerulonephritis Type II. Identifiers: MedGen CN071292.

Allele frequency attached by ClinVar (database versions not stated): gnomAD exomes 0.00002 and 0.00003; ExAC 0.00003; gnomAD 0.00004; TOPMed 0.00005; ESP Exome Variant Server 0.00008.
gnomAD v4.1: 48 of 1,605,510 alleles (0.003%); highest among the groups gnomAD compares: Middle Eastern, 0.033%; no homozygotes.

Submissions (7):

Genomenon, Inc
Classification: Uncertain significance for Age related macular degeneration 4. Last evaluated: 2026-09-17. Review status: criteria provided, single submitter. Criteria: Genomenon Sequence Variant Interpretation Standards - Updated. Collection method: curation. Allele origin: germline. Affected: yes.
Comment: CFH c.2596+8G>T is an intronic variant located in intron 16. This variant has been observed in at least one proband affected with age-related macular degeneration (PMID: 36246952). It is absent or not present at a significant frequency in gnomAD. In silico models predict that this variant is possibly or probably damaging. In conclusion, we classify CFH c.2596+8G>T as a variant of uncertain significance.

Women's Health and Genetics/Laboratory Corporation of America, LabCorp
Classification: Likely benign. Last evaluated: 2026-01-20. Review status: criteria provided, single submitter. Criteria: LabCorp Variant Classification Summary - May 2015. Collection method: clinical testing. Allele origin: germline.
Comment: Variant summary: CFH c.2596+8G>T alters a non-conserved nucleotide located at a position not widely known to affect splicing. Consensus agreement among computation tools predict no significant impact on normal splicing. However, these predictions have yet to be confirmed by functional studies. The variant allele was found at a frequency of 2e-05 in 249194 control chromosomes. The available data on variant occurrences in the general population are insufficient to allow any conclusion about variant significance. c.2596+8G>T has been observed in one affected and one unaffected individual in a family with age-related macular degeneration (example: de Breuk_2021). This report does not provide unequivocal conclusions about association of the variant with CFH-Related Disorders. To our knowledge, no experimental evidence demonstrating an impact on protein function has been reported. The following publication has been ascertained in the context of this evaluation (PMID: 36246952). ClinVar contains an entry for this variant (Variation ID: 876153). Based on the evidence outlined above, the variant was classified as likely benign.

Labcorp Genetics (formerly Invitae), Labcorp
Classification: Likely benign. Last evaluated: 2025-04-17. Review status: criteria provided, single submitter. Criteria: Invitae Variant Classification Sherloc (09022015). Collection method: clinical testing. Allele origin: germline.

Illumina Laboratory Services, Illumina
Classification: Uncertain significance for Basal laminar drusen. Last evaluated: 2018-01-13. Review status: criteria provided, single submitter. Criteria: ICSL Variant Classification Criteria 13 December 2019. Collection method: clinical testing. Allele origin: germline.

Illumina Laboratory Services, Illumina
Classification: Likely benign for Hemolytic uremic syndrome, atypical, susceptibility to, 1. Last evaluated: 2018-01-13. Review status: criteria provided, single submitter. Criteria: ICSL Variant Classification Criteria 13 December 2019. Collection method: clinical testing. Allele origin: germline.
Comment: This variant was observed in the ICSL laboratory as part of a predisposition screen in an ostensibly healthy population. It had not been previously curated by ICSL or reported in the Human Gene Mutation Database (HGMD: prior to June 1st, 2018), and was therefore a candidate for classification through an automated scoring system. Utilizing variant allele frequency, disease prevalence and penetrance estimates, and inheritance mode, an automated score was calculated to assess if this variant is too frequent to cause the disease. Based on the score and internal cut-off values, a variant classified as likely benign is not then subjected to further curation. The score for this variant resulted in a classification of likely benign for this disease.

Illumina Laboratory Services, Illumina
Classification: Uncertain significance for Membranoproliferative glomerulonephritis with complement factor h deficiency. Last evaluated: 2018-01-13. Review status: criteria provided, single submitter. Criteria: ICSL Variant Classification Criteria 13 December 2019. Collection method: clinical testing. Allele origin: germline.

Illumina Laboratory Services, Illumina
Classification: Uncertain significance for Age related macular degeneration 4. Last evaluated: 2018-01-13. Review status: criteria provided, single submitter. Criteria: ICSL Variant Classification Criteria 13 December 2019. Collection method: clinical testing. Allele origin: germline.

Literature cited by the submitters: PubMed 36246952 (cited by Genomenon, Inc and Women's Health and Genetics/Laboratory Corporation of America, LabCorp).

NM_000186.4(CFH):c.2596+8G>T

Gene: CFH (complement factor H; plus strand). Cytogenetic location: 1q31.3.
Variant type: single nucleotide variant.
Coding change: c.2596+8G>T on transcript NM_000186.4 (MANE Select); 8 bases into the intron after coding-DNA position 2596, G replaced by T.
Molecular consequence: intron variant.
Genome position (GRCh38, 1-based): chr1:196,737,014, G>T. VCF-style: chr1-196737014-G-T. GRCh37 (hg19) VCF-style: chr1-196706144-G-T.
Identifiers: ClinVar variation 876153 (VCV000876153.14), dbSNP rs375176505, ClinGen allele CA1305687.